The following is an entry in ClinVar:

ClinVar aggregate classification (germline): Pathogenic (1 of 4 stars; one submission).

Conditions:
Polyglucosan body myopathy type 1 (PGBM1). Also called: Polyglucosan body myopathy 1 with or without immunodeficiency; POLYGLUCOSAN BODY MYOPATHY WITHOUT IMMUNODEFICIENCY. Identifiers: Orphanet 329173, Orphanet 397937, MedGen C4014605, MONDO:0014389, OMIM 615895.

Allele frequency attached by ClinVar (database versions not stated): gnomAD exomes 0.00001; TOPMed 0.00001.
gnomAD v4.1: 19 of 1,614,028 alleles (0.0012%); highest among the groups gnomAD compares: South Asian, 0.0022%; no homozygotes.

Submission:

Labcorp Genetics (formerly Invitae), Labcorp
Classification: Pathogenic for Polyglucosan body myopathy type 1. Last evaluated: 2025-07-21. Review status: criteria provided, single submitter. Criteria: Invitae Variant Classification Sherloc (09022015). Collection method: clinical testing. Allele origin: germline.
Comment: This sequence change creates a premature translational stop signal (p.Arg109*) in the RBCK1 gene. It is expected to result in an absent or disrupted protein product. Loss-of-function variants in RBCK1 are known to be pathogenic (PMID: 2379848, 23104095, 23889995). This variant is not present in population databases (gnomAD no frequency). This variant has not been reported in the literature in individuals affected with RBCK1-related conditions. ClinVar contains an entry for this variant (Variation ID: 656156). For these reasons, this variant has been classified as Pathogenic.

Literature cited by the submitters: PubMed 2379848; PubMed 23104095; PubMed 23889995.

NM_031229.4(RBCK1):c.325C>T (p.Arg109Ter)

Gene: RBCK1 (RANBP2-type and C3HC4-type zinc finger containing 1; plus strand). Cytogenetic location: 20p13.
Variant type: single nucleotide variant.
Coding change: c.325C>T on transcript NM_031229.4 (MANE Select); coding-DNA position 325, C replaced by T.
Protein change: p.Arg109Ter; replaces arginine 109 with a stop codon.
Molecular consequence: nonsense. On other transcripts: 5 prime UTR variant (2), non-coding transcript variant (1).
Genome position (GRCh38, 1-based): chr20:417,795, C>T. VCF-style: chr20-417795-C-T. GRCh37 (hg19) VCF-style: chr20-398439-C-T.
Other names: c.-25C>T (NM_001323956.2, NM_001323958.2); c.199C>T, p.Arg67Ter (NM_006462.6); short protein forms R109*, R67*.
Identifiers: ClinVar variation 656156 (VCV000656156.8), dbSNP rs1568554654, ClinGen allele CA407950176.
Genomic context (GRCh38, chr20:417,795, plus strand): 5'-TTTCTGGACTATGGCTTCCCACCAGTCTTGCAGCAGTGGGTGATTGGGCAGCGGCTGGCA[C>T]GAGACCAGGAGACCCTGCACTCCCATGGGGTGCGGCAGAATGGGGACAGTGCCTACCTCT-3'